The following is an entry in ClinVar:

NM_007373.4(SHOC2):c.1541-7del

Gene: SHOC2 (SHOC2 leucine rich repeat scaffold protein; plus strand). Cytogenetic location: 10q25.2.
Variant type: Deletion.
Coding change: c.1541-7del on transcript NM_007373.4 (MANE Select); 7 bases into the intron before coding-DNA position 1541, one base deleted (T; older notation c.1541-7delT).
Molecular consequence: intron variant.
Genome position (GRCh38, 1-based): chr10:111,011,603, T deleted; the last of 10 consecutive T bases (chr10:111,011,594-111,011,603); deleting any one gives the same sequence. VCF-style (leftmost placement, unchanged base first): chr10-111011593-AT-A. GRCh37 (hg19) VCF-style: chr10-112771351-AT-A.
Other names: c.1541-7del (NM_001324336.2, NM_001324337.2); c.1403-7del (NM_001269039.3); c.1541-7delT (NM_007373.3).
Identifiers: ClinVar variation 928786 (VCV000928786.46), dbSNP rs371544139, ClinGen allele CA5689813.

ClinVar aggregate classification (germline): Benign/Likely benign. Review status: criteria provided, multiple submitters, no conflicts (2 of 4 stars). 10 submissions from 10 submitters: Benign (5); Likely benign (2). 3 of the submissions do not count toward it. Last evaluated 2026-02-03.

Conditions:
SHOC2-related disorder. Also called: SHOC2-related condition.
RASopathy. Also called: rasopathies; Noonan spectrum disorder. Identifiers: Orphanet 536391, MedGen C5555857, MONDO:0021060.
Noonan syndrome and Noonan-related syndrome. Identifiers: Orphanet 98733, MedGen C5681679, MONDO:0020297.
Noonan syndrome-like disorder with loose anagen hair 1 (NSLH1). Also called: TOSTI SYNDROME; MAZZANTI SYNDROME. Identifiers: Orphanet 2701, MedGen C4478716, MONDO:0054637, OMIM 607721.

Submissions (16):

Labcorp Genetics (formerly Invitae), Labcorp
Classification: Benign for RASopathy. Last evaluated: 2026-02-03. Review status: criteria provided, single submitter. Criteria: Invitae Variant Classification Sherloc (09022015). Collection method: clinical testing. Allele origin: germline.

ARUP Laboratories, Molecular Genetics and Genomics, ARUP Laboratories
Classification: Benign for Noonan syndrome-like disorder with loose anagen hair 1. Last evaluated: 2025-07-03. Review status: criteria provided, single submitter. Criteria: ARUP Molecular Germline Variant Investigation Process 2024. Collection method: clinical testing. Allele origin: germline.

CeGaT Center for Human Genetics Tuebingen
Classification: Benign. Last evaluated: 2025-02-01. Review status: criteria provided, single submitter. Criteria: CeGaT Center For Human Genetics Tuebingen Variant Classification Criteria Version 2. Collection method: clinical testing. Allele origin: germline. Affected: yes. Observed: 3 variant alleles.
Comment: SHOC2: BP4, BS1, BS2

Blueprint Genetics
Classification: Likely benign. Last evaluated: 2024-11-25. Review status: criteria provided, single submitter. Criteria: ACMG Guidelines, 2015. Collection method: clinical testing. Allele origin: germline.

Genome Diagnostics Laboratory, The Hospital for Sick Children
Classification: Benign for Noonan syndrome and Noonan-related syndrome. Last evaluated: 2021-05-07. Review status: criteria provided, single submitter. Criteria: ACMG Guidelines, 2015. Collection method: clinical testing. Allele origin: germline.

Women's Health and Genetics/Laboratory Corporation of America, LabCorp
Classification: Benign. Last evaluated: 2019-09-01. Review status: criteria provided, single submitter. Criteria: LabCorp Variant Classification Summary - May 2015. Collection method: clinical testing. Allele origin: germline.
Comment: Variant summary: SHOC2 c.1541-7delT alters a non-conserved nucleotide located close to a canonical splice site and therefore could affect mRNA splicing, leading to a significantly altered protein sequence. 4/4 computational tools predict no significant impact on normal splicing. However, these predictions have yet to be confirmed by functional studies. The variant allele was found at a frequency of 0.007 in 223736 control chromosomes in the gnomAD database, including 12 homozygotes. The observed variant frequency is approximately 282 fold of the estimated maximal expected allele frequency for a pathogenic variant in SHOC2 causing Noonan Syndrome and Related Conditions phenotype (2.5e-05), strongly suggesting that the variant is benign. To our knowledge, no occurrence of c.1541-7delT in individuals affected with Noonan Syndrome and Related Conditions and no experimental evidence demonstrating its impact on protein function have been reported. No clinical diagnostic laboratories have submitted clinical-significance assessments for this variant to ClinVar after 2014. Based on the evidence outlined above, the variant was classified as benign.

GeneDx
Classification: Likely benign. Last evaluated: 2019-01-09. Review status: criteria provided, single submitter. Criteria: GeneDx Variant Classification Process June 2021. Collection method: clinical testing. Allele origin: germline. Affected: yes.

PreventionGenetics, part of Exact Sciences
Classification: Benign for SHOC2-related condition. Last evaluated: 2019-05-08. Review status: no assertion criteria provided. Collection method: clinical testing. Allele origin: germline. Not counted in ClinVar's aggregate classification.
Comment: This variant is classified as benign based on ACMG/AMP sequence variant interpretation guidelines (Richards et al. 2015 PMID: 25741868, with internal and published modifications).

Clinical Genetics, Academic Medical Center
Classification: Benign. Review status: no assertion criteria provided. Collection method: clinical testing. Allele origin: germline. Affected: yes. Study: VKGL Data-share Consensus. Not counted in ClinVar's aggregate classification.

Dr. Peter K. Rogan Lab, Western University
No classification provided (evidence only). Condition: Familial cancer of breast. Review status: no classification provided. Collection method: in vitro. Allele origin: not applicable. Functional consequence: retained intron. Not counted in ClinVar's aggregate classification.

Dr. Peter K. Rogan Lab, Western University
No classification provided (evidence only). Condition: Familial cancer of breast. Review status: no classification provided. Collection method: in vitro. Allele origin: not applicable. Functional consequence: retained intron. Not counted in ClinVar's aggregate classification.

Dr. Peter K. Rogan Lab, Western University
No classification provided (evidence only). Condition: Nonpapillary renal cell carcinoma. Review status: no classification provided. Collection method: in vitro. Allele origin: not applicable. Functional consequence: retained intron. Not counted in ClinVar's aggregate classification.

Dr. Peter K. Rogan Lab, Western University
No classification provided (evidence only). Condition: Gastric cancer. Review status: no classification provided. Collection method: in vitro. Allele origin: not applicable. Functional consequence: retained intron. Not counted in ClinVar's aggregate classification.

Dr. Peter K. Rogan Lab, Western University
No classification provided (evidence only). Condition: Uterine corpus endometrial carcinoma. Review status: no classification provided. Collection method: in vitro. Allele origin: not applicable. Functional consequence: retained intron. Not counted in ClinVar's aggregate classification.

Dr. Peter K. Rogan Lab, Western University
No classification provided (evidence only). Condition: Uterine corpus endometrial carcinoma. Review status: no classification provided. Collection method: in vitro. Allele origin: not applicable. Functional consequence: retained intron. Not counted in ClinVar's aggregate classification.

Joint Genome Diagnostic Labs from Nijmegen and Maastricht, Radboudumc and MUMC+
Classification: Benign. Review status: no assertion criteria provided. Collection method: clinical testing. Allele origin: germline. Affected: yes. Study: VKGL Data-share Consensus. Not counted in ClinVar's aggregate classification.